The following is an entry in ClinVar:

ClinVar aggregate classification (germline): Likely benign. Review status: criteria provided, multiple submitters, no conflicts (2 of 4 stars). 2 submissions from 2 submitters: Likely benign (2). Last evaluated 2024-05-08.

Conditions:
Developmental and epileptic encephalopathy, 54. Also called: HNRNPU-Related Neurodevelopmental Disorder; Epileptic encephalopathy, early infantile, 54. Identifiers: MedGen C4479319, MONDO:0033363, OMIM 617391.

Allele frequency attached by ClinVar (database versions not stated): gnomAD exomes below 0.00001; gnomAD 0.00001; TOPMed 0.00001.
gnomAD v4.1: 2 of 1,552,226 alleles (0.00013%); highest among the groups gnomAD compares: Admixed American, 0.0019%; no homozygotes.

Submissions (2):

Labcorp Genetics (formerly Invitae), Labcorp
Classification: Likely benign for Developmental and epileptic encephalopathy, 54. Last evaluated: 2024-05-08. Review status: criteria provided, single submitter. Criteria: Invitae Variant Classification Sherloc (09022015). Collection method: clinical testing. Allele origin: germline.

GeneDx
Classification: Likely benign. Last evaluated: 2023-01-05. Review status: criteria provided, single submitter. Criteria: GeneDx Variant Classification Process June 2021. Collection method: clinical testing. Allele origin: germline. Affected: yes.
Comment: See Variant Classification Assertion Criteria.

NM_031844.3(HNRNPU):c.659G>T (p.Gly220Val)

Gene: HNRNPU (heterogeneous nuclear ribonucleoprotein U; minus strand). Cytogenetic location: 1q44.
Variant type: single nucleotide variant.
Coding change: c.659G>T on transcript NM_031844.3 (MANE Select); coding-DNA position 659, G replaced by T.
Protein change: p.Gly220Val; replaces glycine 220 with valine.
Molecular consequence: missense variant. On other transcripts: intron variant (1).
Genome position (GRCh38, 1-based): chr1:244,863,649, C>A on the plus strand (G>T on the coding strand, the complement: HNRNPU is on the minus strand). VCF-style: chr1-244863649-C-A. GRCh37 (hg19) VCF-style: chr1-245026951-C-A.
Other names: c.634+25G>T (NM_004501.3); c.659G>T (NM_031844.2); short protein forms G220V.
Identifiers: ClinVar variation 1061461 (VCV001061461.10), dbSNP rs1463061163, ClinGen allele CA345496102.